The following is an entry in ClinVar:

NM_006343.3(MERTK):c.1079C>T (p.Ser360Phe)

Genes: MERTK (MER proto-oncogene, tyrosine kinase; plus strand), LOC112806037 (Sharpr-MPRA regulatory region 3720; plus strand). Cytogenetic location: 2q13.
Variant type: single nucleotide variant.
Coding change: c.1079C>T on transcript NM_006343.3 (MANE Select); coding-DNA position 1079, C replaced by T.
Protein change: p.Ser360Phe; replaces serine 360 with phenylalanine.
Molecular consequence: missense variant.
Genome position (GRCh38, 1-based): chr2:111,975,407, C>T. VCF-style: chr2-111975407-C-T. GRCh37 (hg19) VCF-style: chr2-112732984-C-T.
Other names: short protein forms S360F.
Identifiers: ClinVar variation 2117580 (VCV002117580.4), dbSNP rs2466829414, ClinGen allele CA348233625.

ClinVar aggregate classification (germline): Uncertain significance (1 of 4 stars; one submission).

Submission:

Labcorp Genetics (formerly Invitae), Labcorp
Classification: Uncertain significance. Last evaluated: 2022-03-26. Review status: criteria provided, single submitter. Criteria: Invitae Variant Classification Sherloc (09022015). Collection method: clinical testing. Allele origin: germline.
Comment: In summary, the available evidence is currently insufficient to determine the role of this variant in disease. Therefore, it has been classified as a Variant of Uncertain Significance. Algorithms developed to predict the effect of missense changes on protein structure and function (SIFT, PolyPhen-2, Align-GVGD) all suggest that this variant is likely to be disruptive. This variant has not been reported in the literature in individuals affected with MERTK-related conditions. This variant is not present in population databases (gnomAD no frequency). This sequence change replaces serine, which is neutral and polar, with phenylalanine, which is neutral and non-polar, at codon 360 of the MERTK protein (p.Ser360Phe).